The following is an entry in ClinVar:

NM_002241.5(KCNJ10):c.658A>T (p.Thr220Ser)

Gene: KCNJ10 (potassium inwardly rectifying channel subfamily J member 10; minus strand). Cytogenetic location: 1q23.2.
Variant type: single nucleotide variant.
Coding change: c.658A>T on transcript NM_002241.5 (MANE Select); coding-DNA position 658, A replaced by T.
Protein change: p.Thr220Ser; replaces threonine 220 with serine.
Molecular consequence: missense variant.
Genome position (GRCh38, 1-based): chr1:160,041,875, T>A on the plus strand (A>T on the coding strand, the complement: KCNJ10 is on the minus strand). VCF-style: chr1-160041875-T-A. GRCh37 (hg19) VCF-style: chr1-160011665-T-A.
Other names: short protein forms T220S.
Identifiers: ClinVar variation 4747224 (VCV004747224.1).
Genomic context (GRCh38, chr1:160,041,875, plus strand): 5'-CTTGGAAAGTCACATTGACCTGGTTGAGCCGGATGTTCTCCCCTTCCTTGGTTTGGTGGG[T>A]CTGAAGCAGTTTTCCTGTCACCTGGCAGCCAATGAGGAGGCTTTTGCGCATATTGGCAAC-3'
Protein context (NP_002232.2, residues 210-230): GCQVTGKLLQ[Thr220Ser]HQTKEGENIR

ClinVar aggregate classification (germline): Uncertain significance (1 of 4 stars; one submission).

Conditions:
EAST syndrome (SESAMES). Also called: SEIZURES, SENSORINEURAL DEAFNESS, ATAXIA, IMPAIRED INTELLECTUAL DEVELOPMENT, AND ELECTROLYTE IMBALANCE. Identifiers: Orphanet 199343, MedGen C2748572, MONDO:0013005, OMIM 612780.

Submission:

Labcorp Genetics (formerly Invitae), Labcorp
Classification: Uncertain significance for EAST syndrome. Last evaluated: 2025-02-12. Review status: criteria provided, single submitter. Criteria: Invitae Variant Classification Sherloc (09022015). Collection method: clinical testing. Allele origin: germline.
Comment: This sequence change replaces threonine, which is neutral and polar, with serine, which is neutral and polar, at codon 220 of the KCNJ10 protein (p.Thr220Ser). This variant is present in population databases (rs768897593, gnomAD 0.0009%). This variant has not been reported in the literature in individuals affected with KCNJ10-related conditions. Invitae Evidence Modeling of protein sequence and biophysical properties (such as structural, functional, and spatial information, amino acid conservation, physicochemical variation, residue mobility, and thermodynamic stability) indicates that this missense variant is not expected to disrupt KCNJ10 protein function with a negative predictive value of 95%. In summary, the available evidence is currently insufficient to determine the role of this variant in disease. Therefore, it has been classified as a Variant of Uncertain Significance.